The following is an entry in ClinVar:

ClinVar aggregate classification (germline): Uncertain significance. Review status: criteria provided, multiple submitters, no conflicts (2 of 4 stars). 2 submissions from 2 submitters: Uncertain significance (2). Last evaluated 2025-03-27.

gnomAD v4.1: 114 of 1,613,844 alleles (0.0071%); highest among the groups gnomAD compares: Non-Finnish European, 0.0094%; no homozygotes.

Submissions (2):

Labcorp Genetics (formerly Invitae), Labcorp
Classification: Uncertain significance. Last evaluated: 2025-03-27. Review status: criteria provided, single submitter. Criteria: Invitae Variant Classification Sherloc (09022015). Collection method: clinical testing. Allele origin: germline.
Comment: This sequence change replaces leucine, which is neutral and non-polar, with phenylalanine, which is neutral and non-polar, at codon 1715 of the SPTA1 protein (p.Leu1715Phe). This variant is present in population databases (rs753350359, gnomAD 0.008%). This variant has not been reported in the literature in individuals affected with SPTA1-related conditions. ClinVar contains an entry for this variant (Variation ID: 3256984). Invitae Evidence Modeling of protein sequence and biophysical properties (such as structural, functional, and spatial information, amino acid conservation, physicochemical variation, residue mobility, and thermodynamic stability) has been performed for this missense variant. However, the output from this modeling did not meet the statistical confidence thresholds required to predict the impact of this variant on SPTA1 protein function. In summary, the available evidence is currently insufficient to determine the role of this variant in disease. Therefore, it has been classified as a Variant of Uncertain Significance.

CeGaT Center for Human Genetics Tuebingen
Classification: Uncertain significance. Last evaluated: 2024-07-01. Review status: criteria provided, single submitter. Criteria: CeGaT Center For Human Genetics Tuebingen Variant Classification Criteria Version 2. Collection method: clinical testing. Allele origin: germline. Affected: yes. Observed: 1 variant allele.
Comment: SPTA1: PM2

NM_003126.4(SPTA1):c.5145G>T (p.Leu1715Phe)

Gene: SPTA1 (spectrin alpha, erythrocytic 1; minus strand). Cytogenetic location: 1q23.1.
Variant type: single nucleotide variant.
Coding change: c.5145G>T on transcript NM_003126.4 (MANE Select); coding-DNA position 5145, G replaced by T.
Protein change: p.Leu1715Phe; replaces leucine 1715 with phenylalanine.
Molecular consequence: missense variant.
Genome position (GRCh38, 1-based): chr1:158,638,077, C>A on the plus strand (G>T on the coding strand, the complement: SPTA1 is on the minus strand). VCF-style: chr1-158638077-C-A. GRCh37 (hg19) VCF-style: chr1-158607867-C-A.
Other names: short protein forms L1715F.
Identifiers: ClinVar variation 3256984 (VCV003256984.18).
Genomic context (GRCh38, chr1:158,638,077, plus strand): 5'-AGCTGGTGGCACATACTCTATCCAGGATTCCTCATCATCTAGATCCTGGAAGAACTGGAA[C>A]AAGGCATAGGCCTCTTTCAATTTTTCGTGGTGTGCAGCTGCCAATTCTTGGACATTCAGG-3'
Protein context (NP_003117.2, residues 1705-1725): HHEKLKEAYA[Leu1715Phe]FQFFQDLDDE